The following is an entry in ClinVar:

NM_006269.2(RP1):c.403G>A (p.Ala135Thr)

Gene: RP1 (RP1 axonemal microtubule associated; plus strand). Cytogenetic location: 8q12.1.
Variant type: single nucleotide variant.
Coding change: c.403G>A on transcript NM_006269.2 (MANE Select); coding-DNA position 403, G replaced by A.
Protein change: p.Ala135Thr; replaces alanine 135 with threonine.
Molecular consequence: missense variant.
Genome position (GRCh38, 1-based): chr8:54,621,369, G>A. VCF-style: chr8-54621369-G-A. GRCh37 (hg19) VCF-style: chr8-55533929-G-A.
Other names: c.403G>A, p.Ala135Thr (NM_001375654.1); c.403G>A (NM_006269.1); short protein forms A135T.
Identifiers: ClinVar variation 1471179 (VCV001471179.7), dbSNP rs755833719, ClinGen allele CA4751144.

ClinVar aggregate classification (germline): Uncertain significance. Review status: criteria provided, multiple submitters, no conflicts (2 of 4 stars). 2 submissions from 2 submitters: Uncertain significance (2). Last evaluated 2022-05-03.

Conditions:
Inborn genetic diseases. Identifiers: MedGen C0950123, MeSH D030342.

Allele frequency attached by ClinVar (database versions not stated): gnomAD 0.00001 and 0.00002; gnomAD exomes 0.00001; ExAC 0.00002.
gnomAD v4.1: 17 of 1,612,604 alleles (0.0011%); highest among the groups gnomAD compares: Non-Finnish European, 0.0013%; no homozygotes.

Submissions (2):

Labcorp Genetics (formerly Invitae), Labcorp
Classification: Uncertain significance. Last evaluated: 2022-05-03. Review status: criteria provided, single submitter. Criteria: Invitae Variant Classification Sherloc (09022015). Collection method: clinical testing. Allele origin: germline.
Comment: In summary, the available evidence is currently insufficient to determine the role of this variant in disease. Therefore, it has been classified as a Variant of Uncertain Significance. Algorithms developed to predict the effect of missense changes on protein structure and function output the following: SIFT: "Tolerated"; PolyPhen-2: "Benign"; Align-GVGD: "Class C0". The threonine amino acid residue is found in multiple mammalian species, which suggests that this missense change does not adversely affect protein function. This variant has not been reported in the literature in individuals affected with RP1-related conditions. This variant is present in population databases (rs755833719, gnomAD 0.002%). This sequence change replaces alanine, which is neutral and non-polar, with threonine, which is neutral and polar, at codon 135 of the RP1 protein (p.Ala135Thr).

Ambry Genetics
Classification: Uncertain significance for Inborn genetic diseases. Last evaluated: 2022-01-18. Review status: criteria provided, single submitter. Criteria: Ambry Variant Classification Scheme 2023. Collection method: clinical testing. Allele origin: germline.